The following is an entry in ClinVar:

NM_003560.4(PLA2G6):c.426-3C>T

Gene: PLA2G6 (phospholipase A2 group VI; minus strand). Cytogenetic location: 22q13.1.
Variant type: single nucleotide variant.
Coding change: c.426-3C>T on transcript NM_003560.4 (MANE Select); 3 bases into the intron before coding-DNA position 426, C replaced by T.
Molecular consequence: intron variant.
Genome position (GRCh38, 1-based): chr22:38,143,291, G>A on the plus strand (C>T on the coding strand, the complement: PLA2G6 is on the minus strand). VCF-style: chr22-38143291-G-A. GRCh37 (hg19) VCF-style: chr22-38539298-G-A.
Other names: c.-65-3C>T (NM_001349868.2); c.426-3C>T (NM_001349866.2, NM_001199562.3, NM_001349865.2 and 2 more transcripts); c.-109-3C>T (NM_001349869.2, NM_001349867.2).
Identifiers: ClinVar variation 1432576 (VCV001432576.3), dbSNP rs1320080366, ClinGen allele CA639396043.
Genomic context (GRCh38, chr22:38,143,291, plus strand): 5'-GCGGCAGGCCAGGTGCAGGGGTGTGCAGCCCTCCTCGTTCTCCGCGCAATTGGCACAGCT[G>A]CAGGAGAGGGCCAGGGTGAGCAGAGGTGAGCAGGTGTGGTACAAGGTGGCAGGGGGACCT-3'

ClinVar aggregate classification (germline): Uncertain significance (1 of 4 stars; one submission).

Conditions:
Infantile neuroaxonal dystrophy (NBIA2A). Also called: NEURODEGENERATION WITH BRAIN IRON ACCUMULATION 2A; SEITELBERGER DISEASE; Infantile neuroaxonal dystrophy 1. Identifiers: Orphanet 35069, MedGen C0270724, MONDO:0024457, OMIM 256600.

Allele frequency attached by ClinVar (database versions not stated): TOPMed 0.00001; gnomAD exomes 0.00002.
gnomAD v4.1: 35 of 1,610,198 alleles (0.0022%); highest among the groups gnomAD compares: Non-Finnish European, 0.0026%; no homozygotes.

Submission:

Labcorp Genetics (formerly Invitae), Labcorp
Classification: Uncertain significance for Infantile neuroaxonal dystrophy. Last evaluated: 2021-08-28. Review status: criteria provided, single submitter. Criteria: Invitae Variant Classification Sherloc (09022015). Collection method: clinical testing. Allele origin: germline.
Comment: This sequence change falls in intron 3 of the PLA2G6 gene. It does not directly change the encoded amino acid sequence of the PLA2G6 protein. It affects a nucleotide within the consensus splice site of the intron. This variant is not present in population databases (ExAC no frequency). This variant has not been reported in the literature in individuals affected with PLA2G6-related conditions. Variants that disrupt the consensus splice site are a relatively common cause of aberrant splicing (PMID: 17576681, 9536098). Algorithms developed to predict the effect of sequence changes on RNA splicing suggest that this variant is not likely to affect RNA splicing. In summary, the available evidence is currently insufficient to determine the role of this variant in disease. Therefore, it has been classified as a Variant of Uncertain Significance.

Literature cited by the submitters: PubMed 17576681; PubMed 9536098.